The following is an entry in ClinVar:

NM_000124.4(ERCC6):c.2096C>T (p.Thr699Met)

Gene: ERCC6 (ERCC excision repair 6, chromatin remodeling factor; minus strand). Cytogenetic location: 10q11.23.
Variant type: single nucleotide variant.
Coding change: c.2096C>T on transcript NM_000124.4 (MANE Select); coding-DNA position 2096, C replaced by T.
Protein change: p.Thr699Met; replaces threonine 699 with methionine.
Molecular consequence: missense variant.
Genome position (GRCh38, 1-based): chr10:49,482,760, G>A on the plus strand (C>T on the coding strand, the complement: ERCC6 is on the minus strand). VCF-style: chr10-49482760-G-A. GRCh37 (hg19) VCF-style: chr10-50690806-G-A.
Other names: c.2096C>T, p.Thr699Met (NM_001346440.2); short protein forms T699M.
Identifiers: ClinVar variation 287219 (VCV000287219.36), dbSNP rs55698015, ClinGen allele CA5495770.

ClinVar aggregate classification (germline): Conflicting classifications of pathogenicity. Review status: criteria provided, conflicting classifications (1 of 4 stars). 8 submissions from 8 submitters: Uncertain significance (6); Likely benign (1). 1 of the submissions does not count toward it. Last evaluated 2026-08-06.

Conditions:
Age related macular degeneration 5. Identifiers: MedGen C3151063, MONDO:0013409, OMIM 613761.
ERCC6-related disorder. Also called: ERCC6-related disorders; ERCC6-related condition. Identifiers: MedGen CN239385.

Allele frequency attached by ClinVar (database versions not stated): gnomAD exomes 0.00038; ExAC 0.00048; gnomAD 0.00133 and 0.00142; 1000 Genomes Project 30x 0.00156; TOPMed 0.00156; ESP Exome Variant Server 0.00169; 1000 Genomes Project 0.00180.
gnomAD v4.1: 445 of 1,613,798 alleles (0.028%); highest among the groups gnomAD compares: African/African-American, 0.48%; 2 homozygotes.

Submissions (8):

OLLIN Analises Genomicas, OLLIN
Classification: Uncertain significance for Age related macular degeneration 5. Last evaluated: 2026-08-06. Review status: criteria provided, single submitter. Criteria: ACMG Guidelines 2015 PMID 25741868. Collection method: clinical testing. Allele origin: germline.
Comment: This missense variant, located in exon 10 (of 21), has been reported in ClinVar (accession VCV000287219.34) and in gnomAD with an allele frequency of 0.028%. However, to our knowledge, it has not been reported in the scientific literature. In silico analysis predicts that this variant has a deleterious effect. According to the currently available evidence, this variant has been classified as uncertain significance (PP3_M, BS1).

Labcorp Genetics (formerly Invitae), Labcorp
Classification: Likely benign. Last evaluated: 2026-01-22. Review status: criteria provided, single submitter. Criteria: Invitae Variant Classification Sherloc (09022015). Collection method: clinical testing. Allele origin: germline.

GeneDx
Classification: Uncertain significance. Last evaluated: 2025-05-23. Review status: criteria provided, single submitter. Criteria: GeneDx Variant Classification Process June 2021. Collection method: clinical testing. Allele origin: germline. Affected: yes.
Comment: In silico analysis supports that this missense variant has a deleterious effect on protein structure/function; Has not been previously published as pathogenic or benign to our knowledge

Blueprint Genetics
Classification: Uncertain significance. Last evaluated: 2024-11-06. Review status: criteria provided, single submitter. Criteria: ACMG Guidelines, 2015. Collection method: clinical testing. Allele origin: germline.

Revvity Omics, Revvity
Classification: Uncertain significance. Last evaluated: 2020-01-27. Review status: criteria provided, single submitter. Criteria: ACMG Guidelines, 2015. Collection method: clinical testing. Allele origin: germline.

Mayo Clinic Laboratories, Mayo Clinic
Classification: Uncertain significance. Last evaluated: 2019-09-08. Review status: criteria provided, single submitter. Criteria: ACMG Guidelines, 2015. Collection method: clinical testing. Allele origin: germline. Observed: 1 variant allele.

Eurofins Ntd Llc (ga)
Classification: Uncertain significance. Last evaluated: 2016-05-13. Review status: criteria provided, single submitter. Criteria: EGL Classification Definitions 2015. Collection method: clinical testing. Allele origin: germline. Observed: 1 variant allele, 1 heterozygote.

PreventionGenetics, part of Exact Sciences
Classification: Likely benign for ERCC6-related condition. Last evaluated: 2023-04-27. Review status: no assertion criteria provided. Collection method: clinical testing. Allele origin: germline. Not counted in ClinVar's aggregate classification.
Comment: This variant is classified as likely benign based on ACMG/AMP sequence variant interpretation guidelines (Richards et al. 2015 PMID: 25741868, with internal and published modifications).